The following is an entry in ClinVar:

ClinVar aggregate classification (germline): Uncertain significance (1 of 4 stars; one submission).
ClinVar aggregate classification (oncogenicity): Uncertain significance (1 of 4 stars; one submission).

Conditions:
Multiple endocrine neoplasia, type 2 (MEN2). Identifiers: Orphanet 653, MedGen C4048306, MONDO:0019003. Disease mechanism: gain of function.
Neoplasm. Also called: tumor; Neoplasm (disease); Neoplasms. Identifiers: MedGen C0027651, MeSH D009369, MONDO:0005070, HP:0002664.

Submissions (2):

Center for Genomic Medicine, Rigshospitalet, Copenhagen University Hospital
Classification: Uncertain significance for Neoplasm. Last evaluated: 2025-03-04. Review status: criteria provided, single submitter. Criteria: ClinGen/CGC/VICC Guidelines for Oncogenicity, 2022. Collection method: clinical testing. Allele origin: somatic. Affected: yes.

Labcorp Genetics (formerly Invitae), Labcorp
Classification: Uncertain significance for Multiple endocrine neoplasia, type 2. Last evaluated: 2018-12-17. Review status: criteria provided, single submitter. Criteria: Invitae Variant Classification Sherloc (09022015). Collection method: clinical testing. Allele origin: germline.
Comment: This sequence change replaces lysine with threonine at codon 662 of the RET protein (p.Lys662Thr). The lysine residue is highly conserved and there is a moderate physicochemical difference between lysine and threonine. This variant is not present in population databases (ExAC no frequency). This variant has not been reported in the literature in individuals with RET-related conditions. Algorithms developed to predict the effect of missense changes on protein structure and function are either unavailable or do not agree on the potential impact of this missense change (SIFT: "Deleterious"; PolyPhen-2: "Possibly Damaging"; Align-GVGD: "Class C0"). In summary, the available evidence is currently insufficient to determine the role of this variant in disease. Therefore, it has been classified as a Variant of Uncertain Significance.

NM_020975.6(RET):c.1985A>C (p.Lys662Thr)

Gene: RET (ret proto-oncogene; plus strand). Cytogenetic location: 10q11.21.
Variant type: single nucleotide variant.
Coding change: c.1985A>C on transcript NM_020975.6 (MANE Select); coding-DNA position 1985, A replaced by C.
Protein change: p.Lys662Thr; replaces lysine 662 with threonine.
Molecular consequence: missense variant.
Genome position (GRCh38, 1-based): chr10:43,114,585, A>C. VCF-style: chr10-43114585-A-C. GRCh37 (hg19) VCF-style: chr10-43610033-A-C.
Other names: c.1985A>C, p.Lys662Thr (NM_000323.2, NM_001406743.1, NM_001406744.1 and 4 more transcripts); c.1223A>C, p.Lys408Thr (NM_001355216.2); c.1856A>C, p.Lys619Thr (NM_001406761.1, NM_001406762.1, NM_001406764.1); c.1697A>C, p.Lys566Thr (NM_001406766.1, NM_001406767.1, NM_001406770.1); c.1589A>C, p.Lys530Thr (NM_001406769.1, NM_001406772.1); c.1547A>C, p.Lys516Thr (NM_001406771.1, NM_001406773.1); c.1460A>C, p.Lys487Thr (NM_001406774.1); c.1259A>C, p.Lys420Thr (NM_001406775.1, NM_001406776.1, NM_001406777.1 and 1 more transcripts); and 7 more; short protein forms K662T, K408T, K323T, K420T, K179T, K227T, K267T, K363T.
Identifiers: ClinVar variation 645616 (VCV000645616.11), dbSNP rs1588874193, ClinGen allele CA376553078.
Genomic context (GRCh38, chr10:43,114,585, plus strand): 5'-TCCTCTTCTCCTTCATCGTCTCGGTGCTGCTGTCTGCCTTCTGCATCCACTGCTACCACA[A>C]GTTTGCCCACAAGCCACCCATCTCCTCAGCTGAGATGACCTTCCGGAGGCCCGCCCAGGC-3'
Protein context (NP_066124.1, residues 652-672): LSAFCIHCYH[Lys662Thr]FAHKPPISSA